The following is an entry in ClinVar:

ClinVar aggregate classification (germline): Uncertain significance. Review status: criteria provided, multiple submitters, no conflicts (2 of 4 stars). 2 submissions from 2 submitters: Uncertain significance (2). Last evaluated 2026-02-17.

Conditions:
Inborn genetic diseases. Identifiers: MedGen C0950123, MeSH D030342.

Submissions (2):

Ambry Genetics
Classification: Uncertain significance for Inborn genetic diseases. Last evaluated: 2026-02-17. Review status: criteria provided, single submitter. Criteria: Ambry Variant Classification Scheme 2023. Collection method: clinical testing. Allele origin: germline.

GeneDx
Classification: Uncertain significance. Last evaluated: 2022-02-14. Review status: criteria provided, single submitter. Criteria: GeneDx Variant Classification Process June 2021. Collection method: clinical testing. Allele origin: germline. Affected: yes.
Comment: Not observed at significant frequency in large population cohorts (gnomAD); In silico analysis supports that this missense variant has a deleterious effect on protein structure/function; Has not been previously published as pathogenic or benign to our knowledge

NM_007289.4(MME):c.1415A>T (p.Lys472Met)

Gene: MME (membrane metalloendopeptidase; plus strand). Cytogenetic location: 3q25.2.
Variant type: single nucleotide variant.
Coding change: c.1415A>T on transcript NM_007289.4 (MANE Select); coding-DNA position 1415, A replaced by T.
Protein change: p.Lys472Met; replaces lysine 472 with methionine.
Molecular consequence: missense variant.
Genome position (GRCh38, 1-based): chr3:155,144,456, A>T. VCF-style: chr3-155144456-A-T. GRCh37 (hg19) VCF-style: chr3-154862245-A-T.
Other names: c.1415A>T, p.Lys472Met (NM_000902.5, NM_001354642.2, NM_001354643.1 and 2 more transcripts); short protein forms K472M.
Identifiers: ClinVar variation 1700814 (VCV001700814.3), dbSNP rs2108317219, ClinGen allele CA355130765.